The following is an entry in ClinVar:

NC_000016.9:g.(?_21964681)_(21994982_?)del

Gene: UQCRC2 (ubiquinol-cytochrome c reductase core protein 2). Cytogenetic location: 16p12.2.
Variant type: Deletion.
Identifiers: ClinVar variation 4848961 (VCV004848961.1).

ClinVar aggregate classification (germline): Pathogenic (1 of 4 stars; one submission).

Conditions:
Mitochondrial complex III deficiency nuclear type 5. Identifiers: MedGen C3554608, MONDO:0014066, OMIM 615160.

Submission:

Women's Health and Genetics/Laboratory Corporation of America, LabCorp
Classification: Pathogenic for Mitochondrial complex III deficiency nuclear type 5. Last evaluated: 2026-04-02. Review status: criteria provided, single submitter. Criteria: LabCorp Variant Classification Summary - May 2015. Collection method: clinical testing. Allele origin: germline.
Comment: Variant summary: The variant involves the deletion of exons 1-14 in the UQCRC2 gene. A presumed nomenclature of c.(?_-64)_(*490_?)del has been designated for the purposes of this classification. This deletion includes the entire coding sequence of the gene. As the exact proximal and distal breakpoints are unknown, it may extend beyond the annotated region of the gene to include other flanking genes. Loss-of-function variants in this gene are known to be pathogenic. The variant was absent in 21694 control chromosomes. c.(?_-64)_(*490_?)del has been observed in the compound heterozygous state in two siblings affected with Mitochondrial Complex III Deficiency Nuclear Type 5 (Bansept_2023). These data indicate that the variant is likely associated with disease. To our knowledge, no experimental evidence demonstrating an impact on protein function has been reported. The following publication has been ascertained in the context of this evaluation (PMID: 36509339). ClinVar contains an entry for this variant (Variation ID: 1472476). Based on the evidence outlined above, the variant was classified as pathogenic.

Literature cited by the submitters: PubMed 36509339.